The following is an entry in ClinVar:

NM_000324.3(RHAG):c.836G>A (p.Gly279Glu)

Gene: RHAG (Rh associated glycoprotein; minus strand). Cytogenetic location: 6p12.3.
Variant type: single nucleotide variant.
Coding change: c.836G>A on transcript NM_000324.3 (MANE Select); coding-DNA position 836, G replaced by A.
Protein change: p.Gly279Glu; replaces glycine 279 with glutamic acid.
Molecular consequence: missense variant.
Genome position (GRCh38, 1-based): chr6:49,612,506, C>T on the plus strand (G>A on the coding strand, the complement: RHAG is on the minus strand). VCF-style: chr6-49612506-C-T. GRCh37 (hg19) VCF-style: chr6-49580219-C-T.
Other names: short protein forms G279E.
Identifiers: ClinVar variation 13060 (VCV000013060.4), dbSNP rs121918587, ClinGen allele CA122828.
Genomic context (GRCh38, chr6:49,612,506, plus strand): 5'-ATAATCATAGAACCAAATGGGTGAATTGCCATATCCGCACAAGTGCCCACAGCAACTCCT[C>T]CAGCAAGGGTGGCATTCTGAATGTGAACCTGTGTGAGCGGCAGAAACATAAATGAGGTGA-3'
Protein context (NP_000315.2, residues 269-289): MVHIQNATLA[Gly279Glu]GVAVGTCADM

ClinVar aggregate classification (germline): Likely pathogenic. Review status: criteria provided, single submitter (1 of 4 stars). 2 submissions from 2 submitters: Likely pathogenic (1). 1 of the submissions does not count toward it. Last evaluated 2024-02-19.

Conditions:
Overhydrated hereditary stomatocytosis. Identifiers: Orphanet 3203, MedGen C1861455, MONDO:0008493, OMIM 185000.
Rh-null, regulator type (RHNR). Also called: Rh-null hemolytic anemia, regulator type. Identifiers: MedGen C1849387, OMIM 268150.

Allele frequency attached by ClinVar (database versions not stated): gnomAD exomes below 0.00001.
gnomAD v4.1: 5 of 1,614,108 alleles (0.00031%); highest among the groups gnomAD compares: Non-Finnish European, 0.00025%; no homozygotes.

Submissions (2):

Breakthrough Genomics
Classification: Likely pathogenic for Overhydrated hereditary stomatocytosis. Last evaluated: 2024-02-19. Review status: criteria provided, single submitter. Criteria: ACMG Guidelines, 2015. Collection method: clinical testing. Allele origin: germline. Affected: yes.
Comment: This variant is predicted to be damaging by in-silico missense prediction tools (REVEL, AlphaMissense, SIFT and Polyphen2). The variant has been reported in the literature in association with Rh-null phenotype [PMID: 9716608, 9454778].

OMIM
Classification: Pathogenic for RH-NULL, REGULATOR TYPE. Last evaluated: 1998-02-15. Review status: no assertion criteria provided. Collection method: literature only. Allele origin: germline. Not counted in ClinVar's aggregate classification.

Literature cited by the submitters: Hyland, C. A., Cherif-Zahar, B., Cowley, N., Raynal, V., Parkes, J., Saul, A., Cartron, J. P. A novel single missense mutation identified along the RH50 gene in a composite heterozygous Rh(null) blood donor of the regulator type. Blood 91: 1458-1463, 1998. (cited by OMIM); Huang, C.-H. The human Rh50 glycoprotein gene: structural organization and associated splicing defect resulting in Rh-null disease. J. Biol. Chem. 273: 2207-2213, 1998. (cited by OMIM).